The following is an entry in ClinVar:

ClinVar aggregate classification (germline): Benign/Likely benign. Review status: criteria provided, multiple submitters, no conflicts (2 of 4 stars). 3 submissions from 3 submitters: Benign (1); Likely benign (2). Last evaluated 2026-01-21.

Conditions:
Intellectual developmental disorder, autosomal dominant 6, with or without seizures. Also called: Intellectual disability, autosomal dominant 6; GRIN2B-related developmental delay, intellectual disability and autism spectrum disorder. Identifiers: Orphanet 589547, MedGen C3151411, MONDO:0013509, OMIM 613970.
Developmental and epileptic encephalopathy, 27 (DEE27). Also called: Epileptic encephalopathy, early infantile, 27; GRIN2B-Related Neurodevelopmental Disorder. Identifiers: Orphanet 3451, MedGen C4015316, MONDO:0014505, OMIM 616139.

Allele frequency attached by ClinVar (database versions not stated): gnomAD 0.00017 and 0.00023; TOPMed 0.00056; ExAC 0.00061; gnomAD exomes 0.00067; 1000 Genomes Project 0.00120; 1000 Genomes Project 30x 0.00125.
gnomAD v4.1: 272 of 1,610,120 alleles (0.017%); highest among the groups gnomAD compares: East Asian, 0.58%; 2 homozygotes.

Submissions (3):

Labcorp Genetics (formerly Invitae), Labcorp
Classification: Benign for Developmental and epileptic encephalopathy, 27; Intellectual developmental disorder, autosomal dominant 6, with or without seizures. Last evaluated: 2026-01-21. Review status: criteria provided, single submitter. Criteria: Invitae Variant Classification Sherloc (09022015). Collection method: clinical testing. Allele origin: germline.

Blueprint Genetics
Classification: Likely benign. Last evaluated: 2024-03-21. Review status: criteria provided, single submitter. Criteria: ACMG Guidelines, 2015. Collection method: clinical testing. Allele origin: germline.

GeneDx
Classification: Likely benign. Last evaluated: 2016-12-12. Review status: criteria provided, single submitter. Criteria: GeneDx Variant Classification (06012015). Collection method: clinical testing. Allele origin: germline. Affected: yes.
Comment: This variant is considered likely benign or benign based on one or more of the following criteria: it is a conservative change, it occurs at a poorly conserved position in the protein, it is predicted to be benign by multiple in silico algorithms, and/or has population frequency not consistent with disease.

NM_000834.5(GRIN2B):c.2599-19C>A

Gene: GRIN2B (glutamate ionotropic receptor NMDA type subunit 2B; minus strand). Cytogenetic location: 12p13.1.
Variant type: single nucleotide variant.
Coding change: c.2599-19C>A on transcript NM_000834.5 (MANE Select); 19 bases into the intron before coding-DNA position 2599, C replaced by A.
Molecular consequence: intron variant.
Genome position (GRCh38, 1-based): chr12:13,564,658, G>T on the plus strand (C>A on the coding strand, the complement: GRIN2B is on the minus strand). VCF-style: chr12-13564658-G-T. GRCh37 (hg19) VCF-style: chr12-13717592-G-T.
Identifiers: ClinVar variation 246315 (VCV000246315.10), dbSNP rs3751258, ClinGen allele CA6461016.